The following is an entry in ClinVar:

ClinVar aggregate classification (germline): Conflicting classifications of pathogenicity. Review status: criteria provided, conflicting classifications (1 of 4 stars). 3 submissions from 3 submitters: Uncertain significance (1); Likely benign (2). Last evaluated 2025-10-27.

Conditions:
Fanconi anemia complementation group O. Also called: RAD51C-Related Fanconi Anemia. Identifiers: Orphanet 84, MedGen C3150653, MONDO:0013248, OMIM 613390.
Breast-ovarian cancer, familial, susceptibility to, 3. Also called: RAD51C-Related Breast/Ovarian Cancer. Identifiers: Orphanet 145, MedGen C3150659, MONDO:0013253, OMIM 613399.
Hereditary cancer-predisposing syndrome. Also called: Tumor predisposition; Neoplastic Syndromes, Hereditary; Hereditary Cancer Syndrome; Hereditary neoplastic syndrome. Identifiers: Orphanet 140162, MedGen C0027672, MeSH D009386, MONDO:0015356.

Submissions (3):

Labcorp Genetics (formerly Invitae), Labcorp
Classification: Likely benign for Fanconi anemia complementation group O. Last evaluated: 2025-10-27. Review status: criteria provided, single submitter. Criteria: Invitae Variant Classification Sherloc (09022015). Collection method: clinical testing. Allele origin: germline.

Myriad Genetics, Inc.
Classification: Likely benign for Breast-ovarian cancer, familial, susceptibility to, 3. Last evaluated: 2025-02-18. Review status: criteria provided, single submitter. Criteria: Myriad Autosomal Dominant, Autosomal Recessive and X-Linked Classification Criteria (2023). Collection method: clinical testing. Allele origin: unknown.
Comment: This variant is considered likely benign. This variant is intronic and is not expected to impact mRNA splicing.

Color Diagnostics, LLC DBA Color Health
Classification: Uncertain significance for Hereditary cancer-predisposing syndrome. Last evaluated: 2019-03-29. Review status: criteria provided, single submitter. Criteria: ACMG Guidelines, 2015. Collection method: clinical testing. Allele origin: germline.

NM_058216.3(RAD51C):c.572-7G>A

Gene: RAD51C (RAD51 paralog C; plus strand). Cytogenetic location: 17q22.
Variant type: single nucleotide variant.
Coding change: c.572-7G>A on transcript NM_058216.3 (MANE Select); 7 bases into the intron before coding-DNA position 572, G replaced by A.
Molecular consequence: intron variant.
Genome position (GRCh38, 1-based): chr17:58,703,189, G>A. VCF-style: chr17-58703189-G-A. GRCh37 (hg19) VCF-style: chr17-56780550-G-A.
Identifiers: ClinVar variation 629079 (VCV000629079.9), dbSNP rs1567794083, ClinGen allele CA913188858.
Genomic context (GRCh38, chr17:58,703,189, plus strand): 5'-TTGTTTTTCTACAATTGCCAATACATCCAAACAGGTAAAACTAATTAAGAGTGTTTTGTT[G>A]TTTCAGAACACCGAAAAGCTTTGGAGGATTTCACTCTTGATAATATTCTTTCTCATATTT-3'